The following is an entry in ClinVar:

NM_201384.3(PLEC):c.1283C>T (p.Ala428Val)

Gene: PLEC (plectin; minus strand). Cytogenetic location: 8q24.3.
Variant type: single nucleotide variant.
Coding change: c.1283C>T on transcript NM_201384.3 (MANE Select); coding-DNA position 1283, C replaced by T.
Protein change: p.Ala428Val; replaces alanine 428 with valine.
Molecular consequence: missense variant.
Genome position (GRCh38, 1-based): chr8:143,933,332, G>A on the plus strand (C>T on the coding strand, the complement: PLEC is on the minus strand). VCF-style: chr8-143933332-G-A. GRCh37 (hg19) VCF-style: chr8-145007500-G-A.
Other names: c.1364C>T, p.Ala455Val (NM_000445.5); c.1241C>T, p.Ala414Val (NM_201378.4); c.1217C>T, p.Ala406Val (NM_201379.3); c.1694C>T, p.Ala565Val (NM_201380.4); c.1187C>T, p.Ala396Val (NM_201381.3); c.1283C>T, p.Ala428Val (NM_201382.4); c.1295C>T, p.Ala432Val (NM_201383.3); c.1364C>T (NM_000445.3); short protein forms A406V, A428V, A565V, A414V, A455V, A396V, A432V.
Identifiers: ClinVar variation 287387 (VCV000287387.19), dbSNP rs200893203, ClinGen allele CA4928029.

ClinVar aggregate classification (germline): Conflicting classifications of pathogenicity. Review status: criteria provided, conflicting classifications (1 of 4 stars). 4 submissions from 4 submitters: Uncertain significance (2); Likely benign (1). 1 of the submissions does not count toward it. Last evaluated 2026-01-15.

Conditions:
Autosomal recessive limb-girdle muscular dystrophy type 2Q (LGMDR17). Also called: MUSCULAR DYSTROPHY, LIMB-GIRDLE, AUTOSOMAL RECESSIVE 17. Identifiers: Orphanet 254361, MedGen C3150989, MONDO:0013390, OMIM 613723.
Epidermolysis bullosa simplex with nail dystrophy (EBS5D). Identifiers: MedGen C4225309, MONDO:0014661, OMIM 616487.
Epidermolysis bullosa simplex 5C, with pyloric atresia (EBS5C). Also called: PLEC1-Related Epidermolysis Bullosa with Pyloric Atresia; PLEC-Related Epidermolysis Bullosa with Pyloric Atresia; Epidermolysis bullosa simplex with pyloric atresia. Identifiers: Orphanet 158684, MedGen C2677349, MONDO:0012807, OMIM 612138.
Epidermolysis bullosa simplex, Ogna type (EBS5A). Also called: Pidermolysis bullosa simplex 5A, Ogna type; EPIDERMOLYSIS BULLOSA SIMPLEX 5A, OGNA TYPE. Identifiers: Orphanet 79401, MedGen C0432317, MONDO:0007555, OMIM 131950.
Epidermolysis bullosa simplex 5B, with muscular dystrophy (EBS5B). Also called: Epidermolysis bullosa simplex with muscular dystrophy; EPIDERMOLYSIS BULLOSA SIMPLEX AND LIMB-GIRDLE MUSCULAR DYSTROPHY. Identifiers: Orphanet 257, MedGen C2931072, MONDO:0009181, OMIM 226670.
PLEC-related disorder. Also called: PLEC-related disorders; PLEC-related condition.

Allele frequency attached by ClinVar (database versions not stated): gnomAD 0.00014 and 0.00019; gnomAD exomes 0.00014 and 0.00032; TOPMed 0.00022; ExAC 0.00035; 1000 Genomes Project 30x 0.00062; 1000 Genomes Project 0.00080.
gnomAD v4.1: 228 of 1,611,826 alleles (0.014%); highest among the groups gnomAD compares: East Asian, 0.37%; no homozygotes.

Submissions (4):

Labcorp Genetics (formerly Invitae), Labcorp
Classification: Likely benign for Autosomal recessive limb-girdle muscular dystrophy type 2Q; Epidermolysis bullosa simplex, Ogna type; Epidermolysis bullosa simplex with nail dystrophy; Epidermolysis bullosa simplex 5C, with pyloric atresia; Epidermolysis bullosa simplex 5B, with muscular dystrophy. Last evaluated: 2026-01-15. Review status: criteria provided, single submitter. Criteria: Invitae Variant Classification Sherloc (09022015). Collection method: clinical testing. Allele origin: germline.

GeneDx
Classification: Uncertain significance. Last evaluated: 2024-08-23. Review status: criteria provided, single submitter. Criteria: GeneDx Variant Classification Process June 2021. Collection method: clinical testing. Allele origin: germline. Affected: yes.
Comment: In silico analysis supports that this missense variant has a deleterious effect on protein structure/function; This variant is associated with the following publications: (PMID: 30662066)

Eurofins Ntd Llc (ga)
Classification: Uncertain significance. Last evaluated: 2017-01-18. Review status: criteria provided, single submitter. Criteria: EGL Classification Definitions 2015. Collection method: clinical testing. Allele origin: germline. Observed: 2 variant alleles, 2 heterozygotes.

PreventionGenetics, part of Exact Sciences
Classification: Likely benign for PLEC-related condition. Last evaluated: 2022-04-04. Review status: no assertion criteria provided. Collection method: clinical testing. Allele origin: germline. Not counted in ClinVar's aggregate classification.
Comment: This variant is classified as likely benign based on ACMG/AMP sequence variant interpretation guidelines (Richards et al. 2015 PMID: 25741868, with internal and published modifications).